The following is an entry in ClinVar:

ClinVar aggregate classification (germline): Likely benign (1 of 4 stars; one submission).

Submission:

GeneDx
Classification: Likely benign. Last evaluated: 2016-05-05. Review status: criteria provided, single submitter. Criteria: GeneDx Variant Classification (06012015). Collection method: clinical testing. Allele origin: germline. Affected: yes.
Comment: This variant is considered likely benign or benign based on one or more of the following criteria: it is a conservative change, it occurs at a poorly conserved position in the protein, it is predicted to be benign by multiple in silico algorithms, and/or has population frequency not consistent with disease.

NM_000138.5(FBN1):c.3162G>A (p.Arg1054=)

Gene: FBN1 (fibrillin 1; minus strand). Cytogenetic location: 15q21.1.
Variant type: single nucleotide variant.
Coding change: c.3162G>A on transcript NM_000138.5 (MANE Select); coding-DNA position 3162, G replaced by A.
Protein change: p.Arg1054=; no amino-acid change (arginine 1054 retained).
Molecular consequence: synonymous variant.
Genome position (GRCh38, 1-based): chr15:48,488,414, C>T on the plus strand (G>A on the coding strand, the complement: FBN1 is on the minus strand). VCF-style: chr15-48488414-C-T. GRCh37 (hg19) VCF-style: chr15-48780611-C-T.
Identifiers: ClinVar variation 386019 (VCV000386019.1), dbSNP rs746021219, ClinGen allele CA16607808.